The following is an entry in ClinVar:

ClinVar aggregate classification (germline): Pathogenic (1 of 4 stars; one submission).

Conditions:
Developmental and epileptic encephalopathy, 25 (DEE25). Also called: Epileptic encephalopathy, early infantile, 25; Developmental and epileptic encephalopathy 25, with amelogenesis imperfecta; Epileptic encephalopathy, early infantile, 25, with amelogenesis imperfecta. Identifiers: Orphanet 442835, MedGen C4014621, MONDO:0014392, OMIM 615905.

Submission:

Labcorp Genetics (formerly Invitae), Labcorp
Classification: Pathogenic for Developmental and epileptic encephalopathy, 25. Last evaluated: 2023-12-25. Review status: criteria provided, single submitter. Criteria: Invitae Variant Classification Sherloc (09022015). Collection method: clinical testing. Allele origin: germline.
Comment: This sequence change creates a premature translational stop signal (p.Trp271*) in the SLC13A5 gene. It is expected to result in an absent or disrupted protein product. Loss-of-function variants in SLC13A5 are known to be pathogenic (PMID: 24995870, 26384929). This variant is not present in population databases (gnomAD no frequency). This variant has not been reported in the literature in individuals affected with SLC13A5-related conditions. For these reasons, this variant has been classified as Pathogenic.

Literature cited by the submitters: PubMed 24995870; PubMed 26384929.

NM_177550.5(SLC13A5):c.812G>A (p.Trp271Ter)

Gene: SLC13A5 (solute carrier family 13 member 5; minus strand). Cytogenetic location: 17p13.1.
Variant type: single nucleotide variant.
Coding change: c.812G>A on transcript NM_177550.5 (MANE Select); coding-DNA position 812, G replaced by A.
Protein change: p.Trp271Ter; replaces tryptophan 271 with a stop codon.
Molecular consequence: nonsense.
Genome position (GRCh38, 1-based): chr17:6,701,031, C>T on the plus strand (G>A on the coding strand, the complement: SLC13A5 is on the minus strand). VCF-style: chr17-6701031-C-T. GRCh37 (hg19) VCF-style: chr17-6604350-C-T.
Other names: c.812G>A, p.Trp271Ter (NM_001143838.3); c.761G>A, p.Trp254Ter (NM_001284509.2); c.683G>A, p.Trp228Ter (NM_001284510.2); short protein forms W228*, W271*, W254*.
Identifiers: ClinVar variation 2983161 (VCV002983161.3), dbSNP rs2544634307, ClinGen allele CA397746905.
Genomic context (GRCh38, chr17:6,701,031, plus strand): 5'-GGCATAATTAGGCTGTGAGCAGCTCAAACTTACTTGAATCTCATGTAAACAAACTGGAGC[C>T]ACAGCCAGGCGAACAGCAGCATCACCAGCATGTTGGGAAAGGCAAATGCAAACCAGGAAG-3'